The following is an entry in ClinVar:

NM_001849.4(COL6A2):c.2434G>A (p.Val812Met)

Gene: COL6A2 (collagen type VI alpha 2 chain; plus strand). Cytogenetic location: 21q22.3.
Variant type: single nucleotide variant.
Coding change: c.2434G>A on transcript NM_001849.4 (MANE Select); coding-DNA position 2434, G replaced by A.
Protein change: p.Val812Met; replaces valine 812 with methionine.
Molecular consequence: missense variant.
Genome position (GRCh38, 1-based): chr21:46,126,514, G>A. VCF-style: chr21-46126514-G-A. GRCh37 (hg19) VCF-style: chr21-47546428-G-A.
Other names: c.2434G>A, p.Val812Met (NM_058174.3, NM_058175.3); short protein forms V812M.
Identifiers: ClinVar variation 1407841 (VCV001407841.7), dbSNP rs746393019, ClinGen allele CA10072621.

ClinVar aggregate classification (germline): Conflicting classifications of pathogenicity. Review status: criteria provided, conflicting classifications (1 of 4 stars). 2 submissions from 2 submitters: Uncertain significance (1); Likely benign (1). Last evaluated 2022-11-09.

Conditions:
Bethlem myopathy 1A. Also called: Bethlem myopathy 1; Bethlem Muscular Dystrophy; MYOPATHY, BENIGN CONGENITAL, WITH CONTRACTURES. Identifiers: Orphanet 610, MedGen CN029274, MONDO:0024530, OMIM 158810.

Allele frequency attached by ClinVar (database versions not stated): gnomAD 0.00001; gnomAD exomes 0.00002; ExAC 0.00003.
gnomAD v4.1: 19 of 1,612,190 alleles (0.0012%); highest among the groups gnomAD compares: East Asian, 0.0067%; no homozygotes.

Submissions (2):

Women's Health and Genetics/Laboratory Corporation of America, LabCorp
Classification: Uncertain significance. Last evaluated: 2022-11-09. Review status: criteria provided, single submitter. Criteria: LabCorp Variant Classification Summary - May 2015. Collection method: clinical testing. Allele origin: germline.
Comment: Variant summary: COL6A2 c.2434G>A (p.Val812Met) results in a conservative amino acid change in the encoded protein sequence. Four of five in-silico tools predict a damaging effect of the variant on protein function. The variant allele was found at a frequency of 2.1e-05 in 282352 control chromosomes (gnomAD). The available data on variant occurrences in the general population are insufficient to allow any conclusion about variant significance. To our knowledge, no occurrence of c.2434G>A in individuals affected with Collagen Type VI-Related Disorders and no experimental evidence demonstrating its impact on protein function have been reported. One ClinVar submitter has assessed the variant since 2014: the variant was classified as uncertain significance. Based on the evidence outlined above, the variant was classified as uncertain significance.

Labcorp Genetics (formerly Invitae), Labcorp
Classification: Likely benign for Bethlem myopathy 1A. Last evaluated: 2022-06-20. Review status: criteria provided, single submitter. Criteria: Invitae Variant Classification Sherloc (09022015). Collection method: clinical testing. Allele origin: germline.